The following is an entry in ClinVar:

ClinVar aggregate classification (germline): Uncertain significance (1 of 4 stars; one submission).

gnomAD v4.1: 7 of 1,613,656 alleles (0.00043%); highest among the groups gnomAD compares: Non-Finnish European, 0.00059%; no homozygotes.

Submission:

GeneDx
Classification: Uncertain significance. Last evaluated: 2024-05-06. Review status: criteria provided, single submitter. Criteria: GeneDx Variant Classification Process June 2021. Collection method: clinical testing. Allele origin: germline. Affected: yes.
Comment: Not observed at significant frequency in large population cohorts (gnomAD); In silico analysis indicates that this missense variant does not alter protein structure/function; Has not been previously published as pathogenic or benign to our knowledge

NM_020919.4(ALS2):c.247A>G (p.Ile83Val)

Gene: ALS2 (alsin Rho guanine nucleotide exchange factor ALS2; minus strand). Cytogenetic location: 2q33.1.
Variant type: single nucleotide variant.
Coding change: c.247A>G on transcript NM_020919.4 (MANE Select); coding-DNA position 247, A replaced by G.
Protein change: p.Ile83Val; replaces isoleucine 83 with valine.
Molecular consequence: missense variant.
Genome position (GRCh38, 1-based): chr2:201,761,747, T>C on the plus strand (A>G on the coding strand, the complement: ALS2 is on the minus strand). VCF-style: chr2-201761747-T-C. GRCh37 (hg19) VCF-style: chr2-202626470-T-C.
Other names: c.247A>G, p.Ile83Val (NM_001135745.2, NM_001410975.1); short protein forms I83V.
Identifiers: ClinVar variation 3376012 (VCV003376012.1).